The following is an entry in ClinVar:

ClinVar aggregate classification (germline): Uncertain significance (1 of 4 stars; one submission).

Submission:

GeneDx
Classification: Uncertain significance. Last evaluated: 2022-07-28. Review status: criteria provided, single submitter. Criteria: GeneDx Variant Classification Process June 2021. Collection method: clinical testing. Allele origin: germline. Affected: yes.
Comment: Not observed at significant frequency in large population cohorts (gnomAD); In silico analysis supports that this missense variant does not alter protein structure/function; Has not been previously published as pathogenic or benign to our knowledge

NM_002474.3(MYH11):c.3880G>A (p.Gly1294Arg)

Genes: MYH11 (myosin heavy chain 11; minus strand), NDE1 (nudE neurodevelopment protein 1; plus strand). Cytogenetic location: 16p13.11.
Variant type: single nucleotide variant.
Coding change: c.3880G>A on transcript NM_002474.3 (MANE Select); coding-DNA position 3880, G replaced by A.
Protein change: p.Gly1294Arg; replaces glycine 1294 with arginine.
Molecular consequence: missense variant. On other transcripts: 3 prime UTR variant (2).
Genome position (GRCh38, 1-based): chr16:15,724,971, C>T on the plus strand (G>A on the coding strand, the complement: MYH11 is on the minus strand). VCF-style: chr16-15724971-C-T. GRCh37 (hg19) VCF-style: chr16-15818828-C-T.
Other names: c.3901G>A, p.Gly1301Arg (NM_001040113.2, NM_001040114.2); c.3880G>A, p.Gly1294Arg (NM_022844.3); c.*720C>T (NM_001143979.2, NM_017668.3); short protein forms G1294R, G1301R.
Identifiers: ClinVar variation 2413017 (VCV002413017.3), dbSNP rs2506145410, ClinGen allele CA394859224.